The following is an entry in ClinVar:

ClinVar aggregate classification (germline): Pathogenic. Review status: criteria provided, multiple submitters, no conflicts (2 of 4 stars). 6 submissions from 6 submitters: Pathogenic (3). 3 of the submissions do not count toward it. Last evaluated 2024-08-02.

Conditions:
Galactosemia. Also called: Galactose intolerance. Identifiers: Orphanet 352, MedGen C0016952, MONDO:0018116, HP:0004919. Disease mechanism: loss of function.
Deficiency of UDPglucose-hexose-1-phosphate uridylyltransferase. Also called: GALACTOSE-1-PHOSPHATE URIDYLYLTRANSFERASE DEFICIENCY; GALT deficiency; Galactosemia, classic; Transferase Deficiency Galactosemia; GALACTOSEMIA I. Identifiers: Orphanet 352, Orphanet 79239, MedGen C0268151, MONDO:0009258, OMIM 230400.

Submissions (6):

Natera, Inc.
Classification: Pathogenic for Galactosemia. Last evaluated: 2024-08-02. Review status: criteria provided, single submitter. Criteria: Natera Variant Classification Schema (03/2026). Collection method: clinical testing. Allele origin: germline.
Comment: The c.404C>G variant in GALT is a missense variant predicted to cause substitution of serine to tryptophan at amino acid 135. This variant is rare in the general population with a frequency below the threshold expected for the associated phenotype(s). This variant has been observed in one or more individuals affected with the associated recessive disease, as either homozygous or compound heterozygous with a second variant (PMID: 15841485, 19200962, 22944367). Additionally, this variant has been observed to segregate in affected family members (PMID: 15841485). A different variant at the same position has been determined to be Pathogenic or Likely Pathogenic. Computational prediction algorithms indicate this variant is likely to affect gene or protein function. Given the available evidence, this variant is classified as Pathogenic.

Baylor Genetics
Classification: Pathogenic for Deficiency of UDPglucose-hexose-1-phosphate uridylyltransferase. Last evaluated: 2023-10-13. Review status: criteria provided, single submitter. Criteria: ACMG Guidelines, 2015. Collection method: clinical testing. Allele origin: unknown.

Labcorp Genetics (formerly Invitae), Labcorp
Classification: Pathogenic for Deficiency of UDPglucose-hexose-1-phosphate uridylyltransferase. Last evaluated: 2023-07-21. Review status: criteria provided, single submitter. Criteria: Invitae Variant Classification Sherloc (09022015). Collection method: clinical testing. Allele origin: germline.
Comment: Algorithms developed to predict the effect of sequence changes on RNA splicing suggest that this variant may disrupt the consensus splice site. For these reasons, this variant has been classified as Pathogenic. This variant disrupts the p.Ser135 amino acid residue in GALT. Other variant(s) that disrupt this residue have been determined to be pathogenic (PMID: 7887417, 22461411, 22944367, 27176039, 28065439). This suggests that this residue is clinically significant, and that variants that disrupt this residue are likely to be disease-causing. Advanced modeling of protein sequence and biophysical properties (such as structural, functional, and spatial information, amino acid conservation, physicochemical variation, residue mobility, and thermodynamic stability) performed at Invitae indicates that this missense variant is expected to disrupt GALT protein function. ClinVar contains an entry for this variant (Variation ID: 25172). This missense change has been observed in individual(s) with galactose-1-phosphate uridylyltransferase deficiency (PMID: 15841485). This variant is present in population databases (rs111033690, gnomAD 0.0009%). This sequence change replaces serine, which is neutral and polar, with tryptophan, which is neutral and slightly polar, at codon 135 of the GALT protein (p.Ser135Trp).

Counsyl
Classification: Likely pathogenic for Deficiency of UDPglucose-hexose-1-phosphate uridylyltransferase. Last evaluated: 2014-12-02. Review status: no assertion criteria provided. Collection method: literature only. Allele origin: unknown. Inheritance: Autosomal recessive inheritance. Not counted in ClinVar's aggregate classification.

Clinical Genetics DNA and cytogenetics Diagnostics Lab, Erasmus MC, Erasmus Medical Center
Classification: Likely pathogenic. Review status: no assertion criteria provided. Collection method: clinical testing. Allele origin: germline. Affected: yes. Study: VKGL Data-share Consensus. Not counted in ClinVar's aggregate classification.

Joint Genome Diagnostic Labs from Nijmegen and Maastricht, Radboudumc and MUMC+
Classification: Likely pathogenic. Review status: no assertion criteria provided. Collection method: clinical testing. Allele origin: germline. Affected: yes. Study: VKGL Data-share Consensus. Not counted in ClinVar's aggregate classification.

Literature cited by the submitters: PubMed 15841485 (cited by 3 submitters); PubMed 19200962 (cited by Natera, Inc.); PubMed 22944367 (cited by 3 submitters); PubMed 7887417 (cited by Labcorp Genetics (formerly Invitae), Labcorp); PubMed 22461411 (cited by Labcorp Genetics (formerly Invitae), Labcorp); PubMed 27176039 (cited by Labcorp Genetics (formerly Invitae), Labcorp); PubMed 28065439 (cited by Labcorp Genetics (formerly Invitae), Labcorp); PubMed 20008339 (cited by Counsyl); PubMed 18813948 (cited by Counsyl); PubMed 22729817 (cited by Counsyl).

NM_000155.4(GALT):c.404C>G (p.Ser135Trp)

Gene: GALT (galactose-1-phosphate uridylyltransferase; plus strand). Cytogenetic location: 9p13.3.
Variant type: single nucleotide variant.
Coding change: c.404C>G on transcript NM_000155.4 (MANE Select); coding-DNA position 404, C replaced by G.
Protein change: p.Ser135Trp; replaces serine 135 with tryptophan.
Molecular consequence: missense variant.
Genome position (GRCh38, 1-based): chr9:34,647,858, C>G. VCF-style: chr9-34647858-C-G. GRCh37 (hg19) VCF-style: chr9-34647855-C-G.
Other names: c.77C>G, p.Ser26Trp (NM_001258332.2); short protein forms S26W.
Identifiers: ClinVar variation 25172 (VCV000025172.16), dbSNP rs111033690, ClinGen allele CA259385.